The following is an entry in ClinVar:

ClinVar aggregate classification (germline): Likely benign. Review status: criteria provided, multiple submitters, no conflicts (2 of 4 stars). 3 submissions from 3 submitters: Likely benign (2). 1 of the submissions does not count toward it. Last evaluated 2025-11-15.

Conditions:
Dilated cardiomyopathy 1O (CMD1O). Also called: CARDIOMYOPATHY, DILATED, WITH VENTRICULAR TACHYCARDIA. Identifiers: Orphanet 154, MedGen C1837839, MONDO:0012062, OMIM 608569.
Cardiovascular phenotype. Identifiers: MedGen CN230736.
ABCC9-related disorder. Also called: ABCC9-related condition; ABCC9-related disorders.

Allele frequency attached by ClinVar (database versions not stated): gnomAD exomes 0.00001; ExAC 0.00002.
gnomAD v4.1: 8 of 1,613,814 alleles (0.0005%); highest among the groups gnomAD compares: South Asian, 0.0077%; no homozygotes.

Submissions (3):

Ambry Genetics
Classification: Likely benign for Cardiovascular phenotype. Last evaluated: 2025-11-15. Review status: criteria provided, single submitter. Criteria: Ambry Variant Classification Scheme 2023. Collection method: clinical testing. Allele origin: germline.

Labcorp Genetics (formerly Invitae), Labcorp
Classification: Likely benign for Dilated cardiomyopathy 1O. Last evaluated: 2024-05-28. Review status: criteria provided, single submitter. Criteria: Invitae Variant Classification Sherloc (09022015). Collection method: clinical testing. Allele origin: germline.

PreventionGenetics, part of Exact Sciences
Classification: Likely benign for ABCC9-related condition. Last evaluated: 2019-07-13. Review status: no assertion criteria provided. Collection method: clinical testing. Allele origin: germline. Not counted in ClinVar's aggregate classification.
Comment: This variant is classified as likely benign based on ACMG/AMP sequence variant interpretation guidelines (Richards et al. 2015 PMID: 25741868, with internal and published modifications).

NM_020297.4(ABCC9):c.480G>A (p.Leu160=)

Gene: ABCC9 (ATP binding cassette subfamily C member 9; minus strand). Cytogenetic location: 12p12.1.
Variant type: single nucleotide variant.
Coding change: c.480G>A on transcript NM_020297.4 (MANE Select); coding-DNA position 480, G replaced by A.
Protein change: p.Leu160=; no amino-acid change (leucine 160 retained).
Molecular consequence: synonymous variant. On other transcripts: intron variant (1).
Genome position (GRCh38, 1-based): chr12:21,917,030, C>T on the plus strand (G>A on the coding strand, the complement: ABCC9 is on the minus strand). VCF-style: chr12-21917030-C-T. GRCh37 (hg19) VCF-style: chr12-22069964-C-T.
Other names: c.480G>A, p.Leu160= (NM_001377273.1, NM_005691.4); c.-48-3964G>A (NM_001377274.1).
Identifiers: ClinVar variation 3050681 (VCV003050681.5), dbSNP rs747004107, ClinGen allele CA6481857.